The following is an entry in ClinVar:

ClinVar aggregate classification (germline): Uncertain significance (1 of 4 stars; one submission).

Submission:

GeneDx
Classification: Uncertain significance. Last evaluated: 2022-10-18. Review status: criteria provided, single submitter. Criteria: GeneDx Variant Classification Process June 2021. Collection method: clinical testing. Allele origin: germline. Affected: yes.
Comment: Not observed at significant frequency in large population cohorts (gnomAD); In silico analysis supports that this missense variant has a deleterious effect on protein structure/function; Has not been previously published as pathogenic or benign to our knowledge

NM_001330078.2(NRXN1):c.3488C>A (p.Ala1163Asp)

Gene: NRXN1 (neurexin 1; minus strand). Cytogenetic location: 2p16.3.
Variant type: single nucleotide variant.
Coding change: c.3488C>A on transcript NM_001330078.2 (MANE Select); coding-DNA position 3488, C replaced by A.
Protein change: p.Ala1163Asp; replaces alanine 1163 with aspartic acid.
Molecular consequence: missense variant.
Genome position (GRCh38, 1-based): chr2:50,236,847, G>T on the plus strand (C>A on the coding strand, the complement: NRXN1 is on the minus strand). VCF-style: chr2-50236847-G-T. GRCh37 (hg19) VCF-style: chr2-50463985-G-T.
Other names: c.3608C>A, p.Ala1203Asp (NM_001135659.3); c.3464C>A, p.Ala1155Asp (NM_001330077.2, NM_001330082.2); c.3422C>A, p.Ala1141Asp (NM_001330083.2, NM_001330084.2); c.3461C>A, p.Ala1154Asp (NM_001330085.2); c.3488C>A, p.Ala1163Asp (NM_001330086.2, NM_004801.6); c.3377C>A, p.Ala1126Asp (NM_001330087.2, NM_001330096.2); c.3407C>A, p.Ala1136Asp (NM_001330088.2); c.383C>A, p.Ala128Asp (NM_001330091.2, NM_001330092.2, NM_001330097.2 and 1 more transcripts); and 3 more; short protein forms A1126D, A1136D, A1141D, A1146D, A1154D, A1155D, A1159D, A1162D.
Identifiers: ClinVar variation 2499725 (VCV002499725.1), dbSNP rs145718662, ClinGen allele CA346820887.